The following is an entry in ClinVar:

ClinVar aggregate classification (germline): Uncertain significance (1 of 4 stars; one submission).

Conditions:
PLXNA3-related disorder. Also called: PLXNA3-related condition.

Submission:

PreventionGenetics, part of Exact Sciences
Classification: Uncertain significance for PLXNA3-related condition. Last evaluated: 2024-12-31. Review status: criteria provided, single submitter. Criteria: ACMG Guidelines, 2015. Collection method: clinical testing. Allele origin: germline.
Comment: The PLXNA3 c.658C>T variant is predicted to result in the amino acid substitution p.Pro220Ser. To our knowledge, this variant has not been reported in the literature or in a large population database (gnomAD), indicating this variant is rare. At this time, the clinical significance of this variant is uncertain due to the absence of conclusive functional and genetic evidence.

NM_017514.5(PLXNA3):c.658C>T (p.Pro220Ser)

Gene: PLXNA3 (plexin A3; plus strand). Cytogenetic location: Xq28.
Variant type: single nucleotide variant.
Coding change: c.658C>T on transcript NM_017514.5 (MANE Select); coding-DNA position 658, C replaced by T.
Protein change: p.Pro220Ser; replaces proline 220 with serine.
Molecular consequence: missense variant.
Genome position (GRCh38, 1-based): chrX:154,461,162, C>T. VCF-style: chrX-154461162-C-T. GRCh37 (hg19) VCF-style: chrX-153689502-C-T.
Other names: short protein forms P220S.
Identifiers: ClinVar variation 4998783 (VCV004998783.1).
Genomic context (GRCh38, chrX:154,461,162, plus strand): 5'-TACCAGGATGAGTTTGTGTCCTCCCAGATCAAGATCCCCTCAGACACGCTGTCCTTGTAC[C>T]CTGCCTTTGACATCTACTACATCTACGGCTTCGTCAGCGCCTCCTTCGTGTACTTCCTGA-3'
Protein context (NP_059984.3, residues 210-230): KIPSDTLSLY[Pro220Ser]AFDIYYIYGF